The following is an entry in ClinVar:

ClinVar aggregate classification (germline): Likely benign. Review status: criteria provided, multiple submitters, no conflicts (2 of 4 stars). 3 submissions from 3 submitters: Likely benign (2). 1 of the submissions does not count toward it. Last evaluated 2025-06-12.

Conditions:
ADAMTS13-related disorder. Also called: ADAMTS13-related condition.

Allele frequency attached by ClinVar (database versions not stated): ESP Exome Variant Server 0.00008; 1000 Genomes Project 0.00040; 1000 Genomes Project 30x 0.00047.
gnomAD v4.1: 32 of 1,613,328 alleles (0.002%); highest among the groups gnomAD compares: Middle Eastern, 0.05%; 1 homozygote.

Submissions (3):

Labcorp Genetics (formerly Invitae), Labcorp
Classification: Likely benign. Last evaluated: 2025-06-12. Review status: criteria provided, single submitter. Criteria: Invitae Variant Classification Sherloc (09022015). Collection method: clinical testing. Allele origin: germline.

Blueprint Genetics
Classification: Likely benign. Last evaluated: 2023-12-14. Review status: criteria provided, single submitter. Criteria: ACMG Guidelines, 2015. Collection method: clinical testing. Allele origin: germline.

PreventionGenetics, part of Exact Sciences
Classification: Likely benign for ADAMTS13-related condition. Last evaluated: 2020-06-23. Review status: no assertion criteria provided. Collection method: clinical testing. Allele origin: germline. Not counted in ClinVar's aggregate classification.
Comment: This variant is classified as likely benign based on ACMG/AMP sequence variant interpretation guidelines (Richards et al. 2015 PMID: 25741868, with internal and published modifications).

NM_139027.6(ADAMTS13):c.1584+7G>A

Gene: ADAMTS13 (ADAM metallopeptidase with thrombospondin type 1 motif 13; plus strand). Cytogenetic location: 9q34.2.
Variant type: single nucleotide variant.
Coding change: c.1584+7G>A on transcript NM_139027.6 (MANE Select); 7 bases into the intron after coding-DNA position 1584, G replaced by A.
Molecular consequence: intron variant.
Genome position (GRCh38, 1-based): chr9:133,437,904, G>A. VCF-style: chr9-133437904-G-A. GRCh37 (hg19) VCF-style: chr9-136303024-G-A.
Other names: c.1584+7G>A (NM_139025.5, NM_139025.4); c.1491+7G>A (NM_139026.6).
Identifiers: ClinVar variation 2894555 (VCV002894555.6), dbSNP rs370613063, ClinGen allele CA200930463.